The following is an entry in ClinVar:

NM_000018.4(ACADVL):c.204G>A (p.Ala68=)

Gene: ACADVL (acyl-CoA dehydrogenase very long chain; plus strand). Cytogenetic location: 17p13.1.
Variant type: single nucleotide variant.
Coding change: c.204G>A on transcript NM_000018.4 (MANE Select); coding-DNA position 204, G replaced by A.
Protein change: p.Ala68=; no amino-acid change (alanine 68 retained).
Molecular consequence: synonymous variant. On other transcripts: 5 prime UTR variant (1), intron variant (1).
Genome position (GRCh38, 1-based): chr17:7,220,529, G>A. VCF-style: chr17-7220529-G-A. GRCh37 (hg19) VCF-style: chr17-7123848-G-A.
Other names: c.273G>A, p.Ala91= (NM_001270447.2); c.-25G>A (NM_001270448.2); c.139-75G>A (NM_001033859.3).
Identifiers: ClinVar variation 1491988 (VCV001491988.3), dbSNP rs756969179, ClinGen allele CA8337583.

ClinVar aggregate classification (germline): Uncertain significance (1 of 4 stars; one submission).

Conditions:
Very long chain acyl-CoA dehydrogenase deficiency (ACADVLD). Also called: VLCAD Deficiency; Very Long-Chain Acyl-Coenzyme A Dehydrogenase Deficiency. Identifiers: Orphanet 26793, MedGen C3887523, MONDO:0008723, OMIM 201475.

Allele frequency attached by ClinVar (database versions not stated): gnomAD exomes below 0.00001; ExAC 0.00001.
gnomAD v4.1: 8 of 1,614,094 alleles (0.0005%); highest among the groups gnomAD compares: East Asian, 0.013%; no homozygotes.

Submission:

Labcorp Genetics (formerly Invitae), Labcorp
Classification: Uncertain significance for Very long chain acyl-CoA dehydrogenase deficiency. Last evaluated: 2022-07-19. Review status: criteria provided, single submitter. Criteria: Invitae Variant Classification Sherloc (09022015). Collection method: clinical testing. Allele origin: germline.
Comment: This sequence change affects codon 68 of the ACADVL mRNA. It is a 'silent' change, meaning that it does not change the encoded amino acid sequence of the ACADVL protein. This variant also falls at the last nucleotide of exon 3, which is part of the consensus splice site for this exon. This variant is present in population databases (rs756969179, gnomAD 0.007%). This variant has not been reported in the literature in individuals affected with ACADVL-related conditions. ClinVar contains an entry for this variant (Variation ID: 1491988). Variants that disrupt the consensus splice site are a relatively common cause of aberrant splicing (PMID: 17576681, 9536098). Algorithms developed to predict the effect of sequence changes on RNA splicing suggest that this variant may disrupt the consensus splice site. In summary, the available evidence is currently insufficient to determine the role of this variant in disease. Therefore, it has been classified as a Variant of Uncertain Significance.

Literature cited by the submitters: PubMed 17576681; PubMed 9536098.